The following is an entry in ClinVar:

ClinVar aggregate classification (germline): Likely benign (1 of 4 stars; one submission).

Conditions:
MC4R-related disorder. Also called: MC4R-related condition.

Submission:

PreventionGenetics, part of Exact Sciences
Classification: Likely benign for MC4R-related condition. Last evaluated: 2026-08-06. Review status: criteria provided, single submitter. Criteria: ACMG Guidelines, 2015. Collection method: clinical testing. Allele origin: germline.
Comment: This variant is classified as likely benign based on ACMG/AMP sequence variant interpretation guidelines (Richards et al. 2015 PMID: 25741868, with internal and published modifications).

NM_005912.3(MC4R):c.972C>G (p.Gly324=)

Gene: MC4R (melanocortin 4 receptor; minus strand). Cytogenetic location: 18q21.32.
Variant type: single nucleotide variant.
Coding change: c.972C>G on transcript NM_005912.3 (MANE Select); coding-DNA position 972, C replaced by G.
Protein change: p.Gly324=; no amino-acid change (glycine 324 retained).
Molecular consequence: synonymous variant.
Genome position (GRCh38, 1-based): chr18:60,371,378, G>C on the plus strand (C>G on the coding strand, the complement: MC4R is on the minus strand). VCF-style: chr18-60371378-G-C. GRCh37 (hg19) VCF-style: chr18-58038611-G-C.
Identifiers: ClinVar variation 4992297 (VCV004992297.1).